The following is an entry in ClinVar:

NM_021954.4(GJA3):c.1203G>A (p.Ala401=)

Gene: GJA3 (gap junction protein alpha 3; minus strand). Cytogenetic location: 13q12.11.
Variant type: single nucleotide variant.
Coding change: c.1203G>A on transcript NM_021954.4 (MANE Select); coding-DNA position 1203, G replaced by A.
Protein change: p.Ala401=; no amino-acid change (alanine 401 retained).
Molecular consequence: synonymous variant.
Genome position (GRCh38, 1-based): chr13:20,142,086, C>T on the plus strand (G>A on the coding strand, the complement: GJA3 is on the minus strand). VCF-style: chr13-20142086-C-T. GRCh37 (hg19) VCF-style: chr13-20716225-C-T.
Identifiers: ClinVar variation 2037016 (VCV002037016.14), dbSNP rs757596277, ClinGen allele CA6903983.
Genomic context (GRCh38, chr13:20,142,086, plus strand): 5'-GCTGGCCTTGCTGGCCCGACCTGGGTCTCCGAGGGGCAAGGGCGGCTGGTGCATCTGGGC[C>T]GCGGTGGTCACGGCCTGCTCCTCCTCCTCGGGGGTCCCTGCCAGGGCGCTCCCCTCCAGA-3'
Protein context (NP_068773.2, residues 391-411): PEEEEQAVTT[Ala401=]AQMHQPPLPL

ClinVar aggregate classification (germline): Likely benign. Review status: criteria provided, multiple submitters, no conflicts (2 of 4 stars). 2 submissions from 2 submitters: Likely benign (2). Last evaluated 2025-05-01.

Conditions:
Cataract 14 multiple types. Also called: CATARACT 14, ZONULAR PULVERULENT; CATARACT 14, NUCLEAR PULVERULENT; CATARACT 14, NUCLEAR PULVERULENT AND POSTERIOR POLAR; CATARACT 14, NUCLEAR CORALLIFORM; CATARACT 14, EMBRYONAL NUCLEAR; CATARACT 14, COPPOCK-LIKE. Identifiers: Orphanet 91492, MedGen C1866078, MONDO:0011162, OMIM 601885.

Allele frequency attached by ClinVar (database versions not stated): gnomAD 0.00006; TOPMed 0.00006; ExAC 0.00008.
gnomAD v4.1: 51 of 1,549,152 alleles (0.0033%); highest among the groups gnomAD compares: African/African-American, 0.021%; no homozygotes.

Submissions (2):

CeGaT Center for Human Genetics Tuebingen
Classification: Likely benign. Last evaluated: 2025-05-01. Review status: criteria provided, single submitter. Criteria: CeGaT Center For Human Genetics Tuebingen Variant Classification Criteria Version 2. Collection method: clinical testing. Allele origin: germline. Affected: yes. Observed: 1 variant allele.
Comment: GJA3: BP4, BP7

Labcorp Genetics (formerly Invitae), Labcorp
Classification: Likely benign for Cataract 14 multiple types. Last evaluated: 2025-04-30. Review status: criteria provided, single submitter. Criteria: Invitae Variant Classification Sherloc (09022015). Collection method: clinical testing. Allele origin: germline.